The following is an entry in ClinVar:

NM_000059.4(BRCA2):c.7224A>G (p.Pro2408=)

Gene: BRCA2 (BRCA2 DNA repair associated; plus strand). Cytogenetic location: 13q13.1.
Variant type: single nucleotide variant.
Coding change: c.7224A>G on transcript NM_000059.4 (MANE Select); coding-DNA position 7224, A replaced by G.
Protein change: p.Pro2408=; no amino-acid change (proline 2408 retained).
Molecular consequence: synonymous variant.
Genome position (GRCh38, 1-based): chr13:32,355,077, A>G. VCF-style: chr13-32355077-A-G. GRCh37 (hg19) VCF-style: chr13-32929214-A-G.
Other names: 7452A>G.
Identifiers: ClinVar variation 52291 (VCV000052291.28), dbSNP rs276174891, ClinGen allele CA024974.

ClinVar aggregate classification (germline): Likely benign. Review status: reviewed by expert panel (3 of 4 stars). 11 submissions from 11 submitters: Likely benign (1). 10 of the submissions do not count toward it. Last evaluated 2017-06-29.

Conditions:
Hereditary breast ovarian cancer syndrome. Also called: Hereditary breast and ovarian cancer syndrome; Hereditary breast and ovarian cancer; Hereditary breast and ovarian cancer syndrome (HBOC); Breast and ovarian cancer; Hereditary breast and/or ovarian cancer syndrome; BRCA1- and BRCA2-Associated Hereditary Breast and Ovarian Cancer. Identifiers: Orphanet 145, MedGen C0677776, MeSH D061325, MONDO:0003582. Disease mechanism: loss of function.
Breast-ovarian cancer, familial, susceptibility to, 2 (BROVCA2). Also called: BRCA2 Hereditary Breast and Ovarian Cancer. Identifiers: Orphanet 145, MedGen C2675520, MONDO:0012933, OMIM 612555. Disease mechanism: loss of function.
Hereditary cancer-predisposing syndrome. Also called: Neoplastic Syndromes, Hereditary; Tumor predisposition; Hereditary neoplastic syndrome; Hereditary Cancer Syndrome. Identifiers: Orphanet 140162, MedGen C0027672, MeSH D009386, MONDO:0015356.
Familial cancer of breast. Also called: BREAST CANCER, FAMILIAL; Hereditary breast cancer; hereditary breast carcinoma. Identifiers: Orphanet 227535, MedGen C0346153, MONDO:0016419, OMIM 114480. Disease mechanism: loss of function.

Allele frequency attached by ClinVar (database versions not stated): gnomAD exomes below 0.00001; TOPMed 0.00004.
gnomAD v4.1: 2 of 1,614,002 alleles (0.00012%); highest among the groups gnomAD compares: Non-Finnish European, 0.000085%; no homozygotes.

Submissions (11):

Evidence-based Network for the Interpretation of Germline Mutant Alleles (ENIGMA)
Classification: Likely benign for Breast-ovarian cancer, familial, susceptibility to, 2. Last evaluated: 2017-06-29. Review status: reviewed by expert panel. Criteria: ENIGMA BRCA1/2 Classification Criteria (2017-06-29). Collection method: curation. Allele origin: germline.
Comment: Synonymous substitution variant, with low bioinformatic likelihood to result in a splicing aberration (Splicing prior probability 0.02).

Labcorp Genetics (formerly Invitae), Labcorp
Classification: Likely benign for Hereditary breast ovarian cancer syndrome. Last evaluated: 2026-02-03. Review status: criteria provided, single submitter. Criteria: Invitae Variant Classification Sherloc (09022015). Collection method: clinical testing. Allele origin: germline. Not counted in ClinVar's aggregate classification.

Quest Diagnostics Nichols Institute San Juan Capistrano
Classification: Likely benign. Last evaluated: 2025-02-22. Review status: criteria provided, single submitter. Criteria: Quest Diagnostics criteria. Collection method: clinical testing. Allele origin: unknown. Not counted in ClinVar's aggregate classification.

Department of Pathology and Laboratory Medicine, Sinai Health System
Classification: Likely benign for Familial cancer of breast; Breast-ovarian cancer, familial, susceptibility to, 2. Last evaluated: 2023-10-10. Review status: criteria provided, single submitter. Criteria: ACMG Guidelines, 2015. Collection method: clinical testing. Allele origin: germline. Affected: yes. Not counted in ClinVar's aggregate classification.

All of Us Research Program, National Institutes of Health
Classification: Likely benign for Breast-ovarian cancer, familial, susceptibility to, 2. Last evaluated: 2023-10-02. Review status: criteria provided, single submitter. Criteria: ACMG Guidelines, 2015. Collection method: clinical testing. Allele origin: germline. Inheritance: Autosomal dominant inheritance. Observed: 3 variant alleles, 3 heterozygotes. Not counted in ClinVar's aggregate classification.
Comment: This study involves interpretation of variants in research participants for the purpose of population health screening. Participant phenotype was not available at the time of variant classification. Additional details can be found in publication PMID: 35346344, PMCID: PMC8962531

Women's Health and Genetics/Laboratory Corporation of America, LabCorp
Classification: Likely benign. Last evaluated: 2023-04-23. Review status: criteria provided, single submitter. Criteria: LabCorp Variant Classification Summary - May 2015. Collection method: clinical testing. Allele origin: germline. Not counted in ClinVar's aggregate classification.

GeneDx
Classification: Likely benign. Last evaluated: 2020-11-17. Review status: criteria provided, single submitter. Criteria: GeneDx Variant Classification Process June 2021. Collection method: clinical testing. Allele origin: germline. Affected: yes. Not counted in ClinVar's aggregate classification.
Comment: Not observed in large population cohorts (Lek et al., 2016); This variant is associated with the following publications: (PMID: 22977638)

Ambry Genetics
Classification: Likely benign for Hereditary cancer-predisposing syndrome. Last evaluated: 2019-02-09. Review status: criteria provided, single submitter. Criteria: Ambry Variant Classification Scheme 2023. Collection method: clinical testing. Allele origin: germline. Not counted in ClinVar's aggregate classification.

Color Diagnostics, LLC DBA Color Health
Classification: Likely benign for Hereditary cancer-predisposing syndrome. Last evaluated: 2017-06-06. Review status: criteria provided, single submitter. Criteria: ACMG Guidelines, 2015. Collection method: clinical testing. Allele origin: germline. Not counted in ClinVar's aggregate classification.

Counsyl
Classification: Likely benign for Breast-ovarian cancer, familial, susceptibility to, 2. Last evaluated: 2017-12-28. Review status: no assertion criteria provided. Collection method: clinical testing. Allele origin: unknown. Not counted in ClinVar's aggregate classification.

Breast Cancer Information Core (BIC) (BRCA2)
Classification: Benign for Breast-ovarian cancer, familial 2. Last evaluated: 2010-10-28. Review status: no assertion criteria provided. Collection method: clinical testing. Allele origin: germline. Affected: yes. Observed: 1 variant allele. Not counted in ClinVar's aggregate classification.

Literature cited by the submitters: PubMed 22977638 (cited by 4 submitters); PubMed 17541404 (cited by Women's Health and Genetics/Laboratory Corporation of America, LabCorp).